The following is an entry in ClinVar:

ClinVar aggregate classification (germline): Uncertain significance (1 of 4 stars; one submission).

Conditions:
Neuronal ceroid lipofuscinosis 7 (CLN7). Also called: MFSD8-Related Neuronal Ceroid-Lipofuscinosis. Identifiers: Orphanet 168491, Orphanet 228366, MedGen C1838571, MONDO:0012588, OMIM 610951.

gnomAD v4.1: 4 of 1,614,188 alleles (0.00025%); highest among the groups gnomAD compares: South Asian, 0.0044%; no homozygotes.

Submission:

Labcorp Genetics (formerly Invitae), Labcorp
Classification: Uncertain significance for Neuronal ceroid lipofuscinosis 7. Last evaluated: 2022-08-16. Review status: criteria provided, single submitter. Criteria: Invitae Variant Classification Sherloc (09022015). Collection method: clinical testing. Allele origin: germline.
Comment: This sequence change replaces threonine, which is neutral and polar, with isoleucine, which is neutral and non-polar, at codon 399 of the MFSD8 protein (p.Thr399Ile). This variant is not present in population databases (gnomAD no frequency). This variant has not been reported in the literature in individuals affected with MFSD8-related conditions. Algorithms developed to predict the effect of missense changes on protein structure and function (SIFT, PolyPhen-2, Align-GVGD) all suggest that this variant is likely to be tolerated. In summary, the available evidence is currently insufficient to determine the role of this variant in disease. Therefore, it has been classified as a Variant of Uncertain Significance.

NM_001371596.2(MFSD8):c.1196C>T (p.Thr399Ile)

Gene: MFSD8 (major facilitator superfamily domain containing 8; minus strand). Cytogenetic location: 4q28.2.
Variant type: single nucleotide variant.
Coding change: c.1196C>T on transcript NM_001371596.2 (MANE Select); coding-DNA position 1196, C replaced by T.
Protein change: p.Thr399Ile; replaces threonine 399 with isoleucine.
Molecular consequence: missense variant.
Genome position (GRCh38, 1-based): chr4:127,921,678, G>A on the plus strand (C>T on the coding strand, the complement: MFSD8 is on the minus strand). VCF-style: chr4-127921678-G-A. GRCh37 (hg19) VCF-style: chr4-128842833-G-A.
Other names: c.995C>T, p.Thr332Ile (NM_001363520.3); c.881C>T, p.Thr294Ile (NM_001363521.3); c.1061C>T, p.Thr354Ile (NM_001371590.2); c.1196C>T, p.Thr399Ile (NM_001371591.2, NM_152778.4); c.1202C>T, p.Thr401Ile (NM_001371592.2); c.1082C>T, p.Thr361Ile (NM_001371593.2); c.1049C>T, p.Thr350Ile (NM_001371594.2); c.914C>T, p.Thr305Ile (NM_001371595.1); and 2 more; short protein forms T249I, T294I, T305I, T332I, T350I, T354I, T361I, T399I.
Identifiers: ClinVar variation 2420398 (VCV002420398.3), dbSNP rs2546046915, ClinGen allele CA358171282.